The following is an entry in ClinVar:

NM_000489.6(ATRX):c.594+3A>G

Gene: ATRX (ATRX chromatin remodeler; minus strand). Cytogenetic location: Xq21.1.
Variant type: single nucleotide variant.
Coding change: c.594+3A>G on transcript NM_000489.6 (MANE Select); 3 bases into the intron after coding-DNA position 594, A replaced by G.
Molecular consequence: intron variant.
Genome position (GRCh38, 1-based): chrX:77,688,815, T>C on the plus strand (A>G on the coding strand, the complement: ATRX is on the minus strand). VCF-style: chrX-77688815-T-C. GRCh37 (hg19) VCF-style: chrX-76944308-T-C.
Other names: c.480+3A>G (NM_138270.5).
Identifiers: ClinVar variation 5008220 (VCV005008220.1).

ClinVar aggregate classification (germline): Uncertain significance (1 of 4 stars; one submission).

gnomAD v4.1: 1 of 1,172,087 alleles (0.000085%); highest among the groups gnomAD compares: Non-Finnish European, 0.00012%; no homozygotes.

Submission:

GeneDx
Classification: Uncertain significance. Last evaluated: 2026-02-28. Review status: criteria provided, single submitter. Criteria: GeneDx Variant Classification Process June 2021. Collection method: clinical testing. Allele origin: germline.
Comment: In silico analysis supports a deleterious effect on splicing; Has not been previously published as pathogenic or benign to our knowledge